The following is an entry in ClinVar:

NM_004370.6(COL12A1):c.7693A>G (p.Thr2565Ala)

Gene: COL12A1 (collagen type XII alpha 1 chain; minus strand). Cytogenetic location: 6q13.
Variant type: single nucleotide variant.
Coding change: c.7693A>G on transcript NM_004370.6 (MANE Select); coding-DNA position 7693, A replaced by G.
Protein change: p.Thr2565Ala; replaces threonine 2565 with alanine.
Molecular consequence: missense variant.
Genome position (GRCh38, 1-based): chr6:75,115,788, T>C on the plus strand (A>G on the coding strand, the complement: COL12A1 is on the minus strand). VCF-style: chr6-75115788-T-C. GRCh37 (hg19) VCF-style: chr6-75825504-T-C.
Other names: c.7693A>G (NM_004370.5); c.4201A>G, p.Thr1401Ala (NM_080645.3); short protein forms T2565A, T1401A.
Identifiers: ClinVar variation 2078211 (VCV002078211.7), dbSNP rs1258548128, ClinGen allele CA364744789.
Genomic context (GRCh38, chr6:75,115,788, plus strand): 5'-TCCAAGAACTTTTTGCAGGTCTTAAGAAAAGGAAAACCTCCTGTTGTCACACTTACGCTG[T>C]AGGCTGATTCACAAACGCATTCTTCTGAATCCTGTATGCTGAGTAGCTGGGGAAAGACCC-3'
Protein context (NP_004361.3, residues 2555-2575): IQKNAFVNQP[Thr2565Ala]ADLHPNGLPP

ClinVar aggregate classification (germline): Uncertain significance. Review status: criteria provided, multiple submitters, no conflicts (2 of 4 stars). 2 submissions from 2 submitters: Uncertain significance (2). Last evaluated 2025-02-27.

Conditions:
Ullrich congenital muscular dystrophy 2 (UCMD2). Identifiers: Orphanet 75840, MedGen C4225314, MONDO:0014654, OMIM 616470.
Bethlem myopathy 2 (BTHLM2). Identifiers: Orphanet 536516, Orphanet 610, MedGen C4225313, MONDO:0034022, OMIM 616471.

Allele frequency attached by ClinVar (database versions not stated): gnomAD 0.00001; gnomAD exomes below 0.00001; TOPMed 0.00002.

Submissions (2):

Labcorp Genetics (formerly Invitae), Labcorp
Classification: Uncertain significance for Bethlem myopathy 2; Ullrich congenital muscular dystrophy 2. Last evaluated: 2025-02-27. Review status: criteria provided, single submitter. Criteria: Invitae Variant Classification Sherloc (09022015). Collection method: clinical testing. Allele origin: germline.
Comment: This sequence change replaces threonine, which is neutral and polar, with alanine, which is neutral and non-polar, at codon 2565 of the COL12A1 protein (p.Thr2565Ala). This variant is not present in population databases (gnomAD no frequency). This variant has not been reported in the literature in individuals affected with COL12A1-related conditions. ClinVar contains an entry for this variant (Variation ID: 2078211). Invitae Evidence Modeling of protein sequence and biophysical properties (such as structural, functional, and spatial information, amino acid conservation, physicochemical variation, residue mobility, and thermodynamic stability) has been performed for this missense variant. However, the output from this modeling did not meet the statistical confidence thresholds required to predict the impact of this variant on COL12A1 protein function. In summary, the available evidence is currently insufficient to determine the role of this variant in disease. Therefore, it has been classified as a Variant of Uncertain Significance.

Revvity Omics, Revvity
Classification: Uncertain significance. Last evaluated: 2019-06-13. Review status: criteria provided, single submitter. Criteria: ACMG Guidelines, 2015. Collection method: clinical testing. Allele origin: germline.